The following is an entry in ClinVar:

ClinVar aggregate classification (germline): Uncertain significance (0 of 4 stars; one submission).

Conditions:
POMC-related disorder. Also called: POMC-related disorders; POMC-related condition.

Submission:

PreventionGenetics, part of Exact Sciences
Classification: Uncertain significance for POMC-related condition. Last evaluated: 2024-02-23. Review status: no assertion criteria provided. Collection method: clinical testing. Allele origin: germline.
Comment: The POMC c.282C>G variant is predicted to result in the amino acid substitution p.Ser94Arg. To our knowledge, this variant has not been reported in the literature or in a large population database, indicating this variant is rare. At this time, the clinical significance of this variant is uncertain due to the absence of conclusive functional and genetic evidence.

NM_000939.4(POMC):c.282C>G (p.Ser94Arg)

Gene: POMC (proopiomelanocortin; minus strand). Cytogenetic location: 2p23.3.
Variant type: single nucleotide variant.
Coding change: c.282C>G on transcript NM_000939.4 (MANE Select); coding-DNA position 282, C replaced by G.
Protein change: p.Ser94Arg; replaces serine 94 with arginine.
Molecular consequence: missense variant.
Genome position (GRCh38, 1-based): chr2:25,161,603, G>C on the plus strand (C>G on the coding strand, the complement: POMC is on the minus strand). VCF-style: chr2-25161603-G-C. GRCh37 (hg19) VCF-style: chr2-25384472-G-C.
Other names: c.282C>G, p.Ser94Arg (NM_001035256.3, NM_001319204.2, NM_001319205.2); short protein forms S94R.
Identifiers: ClinVar variation 3353990 (VCV003353990.1).